The following is an entry in ClinVar:

ClinVar aggregate classification (germline): Benign/Likely benign. Review status: criteria provided, multiple submitters, no conflicts (2 of 4 stars). 13 submissions from 13 submitters: Benign (2); Likely benign (9). 2 of the submissions do not count toward it. Last evaluated 2026-02-03.

Conditions:
Breast and/or ovarian cancer. Identifiers: MedGen CN221562.
Hereditary nonpolyposis colorectal neoplasms. Identifiers: MedGen C0009405, MeSH D003123.
Hereditary cancer-predisposing syndrome. Also called: Hereditary neoplastic syndrome; Tumor predisposition; Neoplastic Syndromes, Hereditary; Hereditary Cancer Syndrome. Identifiers: Orphanet 140162, MedGen C0027672, MeSH D009386, MONDO:0015356.
Lynch syndrome 4 (LYNCH4). Also called: Hereditary non-polyposis colorectal cancer, type 4; Colorectal cancer, hereditary nonpolyposis, type 4. Identifiers: Orphanet 144, MedGen C1838333, MONDO:0013699, OMIM 614337. Disease mechanism: loss of function.

Allele frequency attached by ClinVar (database versions not stated): gnomAD exomes 0.00197 and 0.00081; 1000 Genomes Project 0.00020; 1000 Genomes Project 30x 0.00031; ExAC 0.00081; gnomAD 0.00086 and 0.00089; TOPMed 0.00103; ESP Exome Variant Server 0.00159.
gnomAD v4.1: 2,836 of 1,494,788 alleles (0.19%); highest among the groups gnomAD compares: Non-Finnish European, 0.25%; 7 homozygotes.

Submissions (13):

Labcorp Genetics (formerly Invitae), Labcorp
Classification: Benign for Hereditary nonpolyposis colorectal neoplasms. Last evaluated: 2026-02-03. Review status: criteria provided, single submitter. Criteria: Invitae Variant Classification Sherloc (09022015). Collection method: clinical testing. Allele origin: germline.

Center for Genomic Medicine, Rigshospitalet, Copenhagen University Hospital
Classification: Likely benign. Last evaluated: 2025-03-04. Review status: criteria provided, single submitter. Criteria: ACMG Guidelines, 2015. Collection method: clinical testing. Allele origin: germline.

Blueprint Genetics
Classification: Likely benign. Last evaluated: 2024-11-21. Review status: criteria provided, single submitter. Criteria: ACMG Guidelines, 2015. Collection method: clinical testing. Allele origin: germline.

Myriad Genetics, Inc.
Classification: Likely benign for Lynch syndrome 4. Last evaluated: 2024-10-25. Review status: criteria provided, single submitter. Criteria: Myriad Autosomal Dominant, Autosomal Recessive and X-Linked Classification Criteria (2023). Collection method: clinical testing. Allele origin: unknown.
Comment: This variant is considered likely benign. This variant is intronic and is not expected to impact mRNA splicing. Homozygosity for this variant has been confirmed in one or more individuals lacking clinical features consistent with gene-specific recessive disease, indicating that this variant is unlikely to be pathogenic.

ARUP Laboratories, Molecular Genetics and Genomics, ARUP Laboratories
Classification: Likely benign. Last evaluated: 2024-02-02. Review status: criteria provided, single submitter. Criteria: ARUP Molecular Germline Variant Investigation Process 2024. Collection method: clinical testing. Allele origin: germline.

CHEO Genetics Diagnostic Laboratory, Children's Hospital of Eastern Ontario
Classification: Likely benign for Breast and/or ovarian cancer. Last evaluated: 2023-06-05. Review status: criteria provided, single submitter. Criteria: ACMG Guidelines, 2015. Collection method: clinical testing. Allele origin: germline.

Women's Health and Genetics/Laboratory Corporation of America, LabCorp
Classification: Likely benign. Last evaluated: 2020-07-14. Review status: criteria provided, single submitter. Criteria: LabCorp Variant Classification Summary - May 2015. Collection method: clinical testing. Allele origin: germline.
Comment: Variant summary: PMS2 c.251-20T>G alters a non-conserved nucleotide located close to a canonical splice site and therefore could affect mRNA splicing, leading to a significantly altered protein sequence. 4/4 computational tools predict no significant impact on normal splicing. However, these predictions have yet to be confirmed by functional studies. The variant allele was found at a frequency of 0.00081 in 246010 control chromosomes, predominantly at a frequency of 0.0017 within the Non-Finnish European subpopulation in the gnomAD database. The observed variant frequency within Non-Finnish European control individuals in the gnomAD database is approximately 24- fold the estimated maximal expected allele frequency for a pathogenic variant in PMS2 causing Hereditary Nonpolyposis Colorectal Cancer phenotype (7.1e-05), strongly suggesting that the variant is a benign polymorphism found primarily in populations of Non-Finnish European origin. This data must be interpreted with caution, however, because the technology used in this data set is not able to rule out pseudogene interference. Due to the presence of multiple pseudogenes with PMS2, the population frequency was not used for scoring this variant. To our knowledge, no occurrence of c.251-20T>G in individuals affected with Hereditary Nonpolyposis Colorectal Cancer and no experimental evidence demonstrating its impact on protein function have been reported. Three other clinical diagnostic laboratories have submitted clinical-significance assessments for this variant to ClinVar after 2014 without evidence for independent evaluation. All laboratories cited the variant as likely benign. Based on the evidence outlined above, the variant was classified as likely benign.

GeneDx
Classification: Likely benign. Last evaluated: 2017-11-29. Review status: criteria provided, single submitter. Criteria: GeneDx Variant Classification (06012015). Collection method: clinical testing. Allele origin: germline. Affected: yes.
Comment: This variant is considered likely benign or benign based on one or more of the following criteria: it is a conservative change, it occurs at a poorly conserved position in the protein, it is predicted to be benign by multiple in silico algorithms, and/or has population frequency not consistent with disease.

PreventionGenetics, part of Exact Sciences
Classification: Likely benign. Last evaluated: 2017-02-14. Review status: criteria provided, single submitter. Criteria: ACMG Guidelines, 2015. Collection method: clinical testing. Allele origin: germline.

Color Diagnostics, LLC DBA Color Health
Classification: Likely benign for Hereditary cancer-predisposing syndrome. Last evaluated: 2015-04-28. Review status: criteria provided, single submitter. Criteria: ACMG Guidelines, 2015. Collection method: clinical testing. Allele origin: germline.

Ambry Genetics
Classification: Benign for Hereditary cancer-predisposing syndrome. Last evaluated: 2014-11-18. Review status: criteria provided, single submitter. Criteria: Ambry Variant Classification Scheme 2023. Collection method: clinical testing. Allele origin: germline.

Diagnostic Laboratory, Department of Genetics, University Medical Center Groningen
Classification: Likely benign. Review status: no assertion criteria provided. Collection method: clinical testing. Allele origin: germline. Affected: yes. Study: VKGL Data-share Consensus. Not counted in ClinVar's aggregate classification.

Joint Genome Diagnostic Labs from Nijmegen and Maastricht, Radboudumc and MUMC+
Classification: Likely benign. Review status: no assertion criteria provided. Collection method: clinical testing. Allele origin: germline. Affected: yes. Study: VKGL Data-share Consensus. Not counted in ClinVar's aggregate classification.

NM_000535.7(PMS2):c.251-20T>G

Gene: PMS2 (PMS1 homolog 2, mismatch repair system component; minus strand). Cytogenetic location: 7p22.1.
Variant type: single nucleotide variant.
Coding change: c.251-20T>G on transcript NM_000535.7 (MANE Select); 20 bases into the intron before coding-DNA position 251, T replaced by G.
Molecular consequence: intron variant.
Genome position (GRCh38, 1-based): chr7:6,003,812, A>C on the plus strand (T>G on the coding strand, the complement: PMS2 is on the minus strand). VCF-style: chr7-6003812-A-C. GRCh37 (hg19) VCF-style: chr7-6043443-A-C.
Other names: IVS3-20T>G; c.35+160T>G (NM_001322008.2, NM_001322007.2); c.-155-20T>G (NM_001322010.2, NM_001322004.2, NM_001322013.2 and 3 more transcripts); c.-634-20T>G (NM_001322012.2, NM_001322011.2); c.-234-20T>G (NM_001322015.2); c.251-20T>G (NM_001322006.2, NM_001322014.2).
Identifiers: ClinVar variation 127785 (VCV000127785.39), dbSNP rs149343081, ClinGen allele CA011617.
Genomic context (GRCh38, chr7:6,003,812, plus strand): 5'-GTCGGCAAACTCTTGAATCTTAGATGTGTGATGTTTCAGAGCTGAAAGAGAGTGTAAAGT[A>C]AGGACTAAGATATCTCAAGTGCTATAACAACAAAATATACATGATATCTAGTAACTGGCT-3'